The following is an entry in ClinVar:

NM_001199267.2(DGKZ):c.162-383C>T

Gene: DGKZ (diacylglycerol kinase zeta; plus strand). Cytogenetic location: 11p11.2.
Variant type: single nucleotide variant.
Coding change: c.162-383C>T on transcript NM_001199267.2 (MANE Select); 383 bases into the intron before coding-DNA position 162, C replaced by T.
Molecular consequence: intron variant. On other transcripts: missense variant (1).
Genome position (GRCh38, 1-based): chr11:46,366,908, C>T. VCF-style: chr11-46366908-C-T. GRCh37 (hg19) VCF-style: chr11-46388458-C-T.
Other names: c.652C>T, p.Arg218Cys (NM_001105540.2); c.213-383C>T (NM_201532.3); c.177-383C>T (NM_201533.3); c.162-383C>T (NM_001199266.2, NM_003646.4, NM_001199268.2); short protein forms R218C.
Identifiers: ClinVar variation 1991907 (VCV001991907.4), dbSNP rs1042326328, ClinGen allele CA221603948.

ClinVar aggregate classification (germline): Uncertain significance (1 of 4 stars; one submission).

Allele frequency attached by ClinVar (database versions not stated): gnomAD 0.00001; TOPMed 0.00002.
gnomAD v4.1: 29 of 1,546,702 alleles (0.0019%); highest among the groups gnomAD compares: Admixed American, 0.019%; no homozygotes.

Submission:

Labcorp Genetics (formerly Invitae), Labcorp
Classification: Uncertain significance. Last evaluated: 2025-01-01. Review status: criteria provided, single submitter. Criteria: Invitae Variant Classification Sherloc (09022015). Collection method: clinical testing. Allele origin: germline.
Comment: This sequence change replaces arginine, which is basic and polar, with cysteine, which is neutral and slightly polar, at codon 218 of the DGKZ protein (p.Arg218Cys). The frequency data for this variant in the population databases is considered unreliable, as metrics indicate poor data quality at this position in the gnomAD database. This variant has not been reported in the literature in individuals affected with DGKZ-related conditions. ClinVar contains an entry for this variant (Variation ID: 1991907). An algorithm developed to predict the effect of missense changes on protein structure and function outputs the following: PolyPhen-2: "Benign". The cysteine amino acid residue is found in multiple mammalian species, which suggests that this missense change does not adversely affect protein function. In summary, the available evidence is currently insufficient to determine the role of this variant in disease. Therefore, it has been classified as a Variant of Uncertain Significance.